The following is an entry in ClinVar:

NM_001184.4(ATR):c.1945del (p.Glu650fs)

Gene: ATR (ATR checkpoint kinase; minus strand). Cytogenetic location: 3q23.
Variant type: Deletion.
Coding change: c.1945del on transcript NM_001184.4 (MANE Select); coding-DNA position 1945, one base deleted (C; older notation c.1945delC).
Protein change: p.Glu650fs; shifts the reading frame from glutamic acid 650.
Molecular consequence: frameshift variant.
Genome position (GRCh38, 1-based): chr3:142,556,516, G deleted on the plus strand (C on the coding strand, the reverse complement: ATR is on the minus strand); the first of 2 consecutive G bases (chr3:142,556,516-142,556,517); deleting either gives the same sequence. VCF-style (leftmost placement, unchanged base first): chr3-142556515-AG-A. GRCh37 (hg19) VCF-style: chr3-142275357-AG-A.
Other names: c.1753del, p.Glu586fs (NM_001354579.2); short protein forms E586fs, E650fs.
Identifiers: ClinVar variation 4797504 (VCV004797504.1).

ClinVar aggregate classification (germline): Pathogenic (1 of 4 stars; one submission).

Submission:

Labcorp Genetics (formerly Invitae), Labcorp
Classification: Pathogenic. Last evaluated: 2025-06-22. Review status: criteria provided, single submitter. Criteria: Invitae Variant Classification Sherloc (09022015). Collection method: clinical testing. Allele origin: germline.
Comment: This sequence change creates a premature translational stop signal (p.Glu650Serfs*17) in the ATR gene. It is expected to result in an absent or disrupted protein product. Loss-of-function variants in ATR are known to be pathogenic (PMID: 21228398, 23144622). This variant is not present in population databases (gnomAD no frequency). This variant has not been reported in the literature in individuals affected with ATR-related conditions. For these reasons, this variant has been classified as Pathogenic.

Literature cited by the submitters: PubMed 21228398; PubMed 23144622.